The following is an entry in ClinVar:

NM_001844.5(COL2A1):c.3450C>A (p.Asp1150Glu)

Gene: COL2A1 (collagen type II alpha 1 chain; minus strand). Cytogenetic location: 12q13.11.
Variant type: single nucleotide variant.
Coding change: c.3450C>A on transcript NM_001844.5 (MANE Select); coding-DNA position 3450, C replaced by A.
Protein change: p.Asp1150Glu; replaces aspartic acid 1150 with glutamic acid.
Molecular consequence: missense variant.
Genome position (GRCh38, 1-based): chr12:47,976,553, G>T on the plus strand (C>A on the coding strand, the complement: COL2A1 is on the minus strand). VCF-style: chr12-47976553-G-T. GRCh37 (hg19) VCF-style: chr12-48370336-G-T.
Other names: c.3243C>A, p.Asp1081Glu (NM_033150.3); short protein forms D1150E, D1081E.
Identifiers: ClinVar variation 3696889 (VCV003696889.2).

ClinVar aggregate classification (germline): Uncertain significance (1 of 4 stars; one submission).

Submission:

Labcorp Genetics (formerly Invitae), Labcorp
Classification: Uncertain significance. Last evaluated: 2024-07-13. Review status: criteria provided, single submitter. Criteria: Invitae Variant Classification Sherloc (09022015). Collection method: clinical testing. Allele origin: germline.
Comment: This sequence change replaces aspartic acid, which is acidic and polar, with glutamic acid, which is acidic and polar, at codon 1150 of the COL2A1 protein (p.Asp1150Glu). This variant is not present in population databases (gnomAD no frequency). This variant has not been reported in the literature in individuals affected with COL2A1-related conditions. Advanced modeling of protein sequence and biophysical properties (such as structural, functional, and spatial information, amino acid conservation, physicochemical variation, residue mobility, and thermodynamic stability) performed at Invitae indicates that this missense variant is not expected to disrupt COL2A1 protein function with a negative predictive value of 95%. In summary, the available evidence is currently insufficient to determine the role of this variant in disease. Therefore, it has been classified as a Variant of Uncertain Significance.